The following is an entry in ClinVar:

ClinVar aggregate classification (germline): Uncertain significance (1 of 4 stars; one submission).

Conditions:
Inborn genetic diseases. Identifiers: MedGen C0950123, MeSH D030342.

Allele frequency attached by ClinVar (database versions not stated): TOPMed below 0.00001.

Submission:

Ambry Genetics
Classification: Uncertain significance for Inborn genetic diseases. Last evaluated: 2023-06-21. Review status: criteria provided, single submitter. Criteria: Ambry Variant Classification Scheme 2023. Collection method: clinical testing. Allele origin: germline.
Comment: The p.G2071S variant (also known as c.6211G>A), located in coding exon 42 of the LRRK2 gene, results from a G to A substitution at nucleotide position 6211. The glycine at codon 2071 is replaced by serine, an amino acid with similar properties. This amino acid position is conserved. In addition, this alteration is predicted to be tolerated by in silico analysis. Since supporting evidence is limited at this time, the clinical significance of this alteration remains unclear.

NM_198578.4(LRRK2):c.6211G>A (p.Gly2071Ser)

Gene: LRRK2 (leucine rich repeat kinase 2; plus strand). Cytogenetic location: 12q12.
Variant type: single nucleotide variant.
Coding change: c.6211G>A on transcript NM_198578.4 (MANE Select); coding-DNA position 6211, G replaced by A.
Protein change: p.Gly2071Ser; replaces glycine 2071 with serine.
Molecular consequence: missense variant.
Genome position (GRCh38, 1-based): chr12:40,346,854, G>A. VCF-style: chr12-40346854-G-A. GRCh37 (hg19) VCF-style: chr12-40740656-G-A.
Other names: short protein forms G2071S.
Identifiers: ClinVar variation 2587234 (VCV002587234.2), dbSNP rs1350174337, ClinGen allele CA384405552.